The following is an entry in ClinVar:

NM_007194.4(CHEK2):c.1538C>T (p.Ala513Val)

Gene: CHEK2 (checkpoint kinase 2; minus strand). Cytogenetic location: 22q12.1.
Variant type: single nucleotide variant.
Coding change: c.1538C>T on transcript NM_007194.4 (MANE Select); coding-DNA position 1538, C replaced by T.
Protein change: p.Ala513Val; replaces alanine 513 with valine.
Molecular consequence: missense variant.
Genome position (GRCh38, 1-based): chr22:28,689,139, G>A on the plus strand (C>T on the coding strand, the complement: CHEK2 is on the minus strand). VCF-style: chr22-28689139-G-A. GRCh37 (hg19) VCF-style: chr22-29085127-G-A.
Other names: c.1667C>T, p.Ala556Val (NM_001005735.3); c.875C>T, p.Ala292Val (NM_001257387.3); c.1337C>T, p.Ala446Val (NM_001349956.3); c.1451C>T, p.Ala484Val (NM_145862.3); short protein forms A484V, A513V, A292V, A446V, A556V.
Identifiers: ClinVar variation 1774755 (VCV001774755.5), dbSNP rs2145748123, ClinGen allele CA411092301.

ClinVar aggregate classification (germline): Uncertain significance. Review status: criteria provided, multiple submitters, no conflicts (2 of 4 stars). 2 submissions from 2 submitters: Uncertain significance (2). Last evaluated 2023-03-03.

Conditions:
Hereditary cancer-predisposing syndrome. Also called: Hereditary Cancer Syndrome; Hereditary neoplastic syndrome; Neoplastic Syndromes, Hereditary; Tumor predisposition. Identifiers: Orphanet 140162, MedGen C0027672, MeSH D009386, MONDO:0015356.
Familial cancer of breast. Also called: BREAST CANCER, FAMILIAL; Hereditary breast cancer; hereditary breast carcinoma. Identifiers: Orphanet 227535, MedGen C0346153, MONDO:0016419, OMIM 114480. Disease mechanism: loss of function.

Submissions (2):

Labcorp Genetics (formerly Invitae), Labcorp
Classification: Uncertain significance for Familial cancer of breast. Last evaluated: 2023-03-03. Review status: criteria provided, single submitter. Criteria: Invitae Variant Classification Sherloc (09022015). Collection method: clinical testing. Allele origin: germline.
Comment: An algorithm developed to predict the effect of missense changes on protein structure and function (PolyPhen-2) suggests that this variant is likely to be tolerated. In summary, the available evidence is currently insufficient to determine the role of this variant in disease. Therefore, it has been classified as a Variant of Uncertain Significance. ClinVar contains an entry for this variant (Variation ID: 1774755). This variant has not been reported in the literature in individuals affected with CHEK2-related conditions. This variant is not present in population databases (gnomAD no frequency). This sequence change replaces alanine, which is neutral and non-polar, with valine, which is neutral and non-polar, at codon 513 of the CHEK2 protein (p.Ala513Val).

Ambry Genetics
Classification: Uncertain significance for Hereditary cancer-predisposing syndrome. Last evaluated: 2021-12-01. Review status: criteria provided, single submitter. Criteria: Ambry Variant Classification Scheme 2023. Collection method: clinical testing. Allele origin: germline.
Comment: The p.A513V variant (also known as c.1538C>T), located in coding exon 13 of the CHEK2 gene, results from a C to T substitution at nucleotide position 1538. The alanine at codon 513 is replaced by valine, an amino acid with similar properties. This amino acid position is conserved. In addition, this alteration is predicted to be tolerated by in silico analysis. Since supporting evidence is limited at this time, the clinical significance of this alteration remains unclear.